The following is an entry in ClinVar:

ClinVar aggregate classification (germline): Uncertain significance. Review status: criteria provided, multiple submitters, no conflicts (2 of 4 stars). 2 submissions from 2 submitters: Uncertain significance (2). Last evaluated 2025-09-28.

Conditions:
Hereditary cancer-predisposing syndrome. Also called: Neoplastic Syndromes, Hereditary; Tumor predisposition; Hereditary Cancer Syndrome; Hereditary neoplastic syndrome. Identifiers: Orphanet 140162, MedGen C0027672, MeSH D009386, MONDO:0015356.

Submissions (2):

Ambry Genetics
Classification: Uncertain significance for Hereditary cancer-predisposing syndrome. Last evaluated: 2025-09-28. Review status: criteria provided, single submitter. Criteria: Ambry Variant Classification Scheme 2023. Collection method: clinical testing. Allele origin: germline.
Comment: The p.I246M variant (also known as c.738A>G), located in coding exon 6 of the BRIP1 gene, results from an A to G substitution at nucleotide position 738. The isoleucine at codon 246 is replaced by methionine, an amino acid with highly similar properties. This amino acid position is conserved. In addition, this alteration is predicted to be deleterious by in silico analysis. Since supporting evidence is limited at this time, the clinical significance of this alteration remains unclear.

Quest Diagnostics Nichols Institute San Juan Capistrano
Classification: Uncertain significance. Last evaluated: 2022-12-14. Review status: criteria provided, single submitter. Criteria: Quest Diagnostics criteria. Collection method: clinical testing. Allele origin: unknown.
Comment: The variant has not been reported in the published literature. It also has not been reported in large, multi-ethnic general populations. Analysis of this variant using bioinformatics tools for the prediction of the effect of amino acid changes on protein structure and function yielded conflicting predictions that this variant is benign or damaging. Based on the available information, we are unable to determine the clinical significance of this variant.

NM_032043.3(BRIP1):c.738A>G (p.Ile246Met)

Gene: BRIP1 (BRCA1 interacting DNA helicase 1; minus strand). Cytogenetic location: 17q23.2.
Variant type: single nucleotide variant.
Coding change: c.738A>G on transcript NM_032043.3 (MANE Select); coding-DNA position 738, A replaced by G.
Protein change: p.Ile246Met; replaces isoleucine 246 with methionine.
Molecular consequence: missense variant.
Genome position (GRCh38, 1-based): chr17:61,808,647, T>C on the plus strand (A>G on the coding strand, the complement: BRIP1 is on the minus strand). VCF-style: chr17-61808647-T-C. GRCh37 (hg19) VCF-style: chr17-59886008-T-C.
Other names: short protein forms I246M.
Identifiers: ClinVar variation 1758632 (VCV001758632.4), dbSNP rs2145418968, ClinGen allele CA400485016.
Genomic context (GRCh38, chr17:61,808,647, plus strand): 5'-CGTCCTCCGGAGCTCTCTAGTAATCTGAGCAATCTGCTTGTGTGTGCGTGTCCCAAAATA[T>C]ATTTTGGGTATCTTGGATTTCCCTGTATGATCCTTCTTAATGGTATTCGATGACTCTTGA-3'
Protein context (NP_114432.2, residues 236-256): DHTGKSKIPK[Ile246Met]YFGTRTHKQI